The following is an entry in ClinVar:

ClinVar aggregate classification (germline): Uncertain significance (1 of 4 stars; one submission).

Allele frequency attached by ClinVar (database versions not stated): gnomAD 0.00001; TOPMed 0.00001.
gnomAD v4.1: 1 of 1,614,064 alleles (0.000062%); highest among the groups gnomAD compares: African/African-American, 0.0013%; no homozygotes.

Submission:

Labcorp Genetics (formerly Invitae), Labcorp
Classification: Uncertain significance. Last evaluated: 2024-02-06. Review status: criteria provided, single submitter. Criteria: Invitae Variant Classification Sherloc (09022015). Collection method: clinical testing. Allele origin: germline.
Comment: This sequence change replaces leucine, which is neutral and non-polar, with proline, which is neutral and non-polar, at codon 96 of the PIGV protein (p.Leu96Pro). This variant is not present in population databases (gnomAD no frequency). This variant has not been reported in the literature in individuals affected with PIGV-related conditions. ClinVar contains an entry for this variant (Variation ID: 1372816). Advanced modeling of protein sequence and biophysical properties (such as structural, functional, and spatial information, amino acid conservation, physicochemical variation, residue mobility, and thermodynamic stability) performed at Invitae indicates that this missense variant is not expected to disrupt PIGV protein function with a negative predictive value of 80%. In summary, the available evidence is currently insufficient to determine the role of this variant in disease. Therefore, it has been classified as a Variant of Uncertain Significance.

NM_017837.4(PIGV):c.287T>C (p.Leu96Pro)

Gene: PIGV (phosphatidylinositol glycan anchor biosynthesis class V; plus strand). Cytogenetic location: 1p36.11.
Variant type: single nucleotide variant.
Coding change: c.287T>C on transcript NM_017837.4 (MANE Select); coding-DNA position 287, T replaced by C.
Protein change: p.Leu96Pro; replaces leucine 96 with proline.
Molecular consequence: missense variant. On other transcripts: 5 prime UTR variant (1), non-coding transcript variant (1), intron variant (3).
Genome position (GRCh38, 1-based): chr1:26,794,321, T>C. VCF-style: chr1-26794321-T-C. GRCh37 (hg19) VCF-style: chr1-27120812-T-C.
Other names: c.287T>C, p.Leu96Pro (NM_001202554.2, NM_001374478.1, NM_001374480.1 and 2 more transcripts); c.-95T>C (NM_001374483.1); c.172+115T>C (NM_001374484.1, NM_001374485.1); c.79-3242T>C (NM_001374486.1); short protein forms L96P.
Identifiers: ClinVar variation 1372816 (VCV001372816.5), dbSNP rs1056953594, ClinGen allele CA19833415.